The following is an entry in ClinVar:

ClinVar aggregate classification (germline): Uncertain significance. Review status: criteria provided, multiple submitters, no conflicts (2 of 4 stars). 2 submissions from 2 submitters: Uncertain significance (2). Last evaluated 2025-05-19.

Conditions:
KMT2D-related disorder. Also called: KMT2D-Related Disorders.
Kabuki syndrome. Also called: Kabuki make-up syndrome; NIIKAWA-KUROKI SYNDROME. Identifiers: Orphanet 2322, MedGen C0796004, MONDO:0016512.

gnomAD v4.1: 3 of 1,612,940 alleles (0.00019%); highest among the groups gnomAD compares: Non-Finnish European, 0.00017%; no homozygotes.

Submissions (2):

Labcorp Genetics (formerly Invitae), Labcorp
Classification: Uncertain significance for Kabuki syndrome. Last evaluated: 2025-05-19. Review status: criteria provided, single submitter. Criteria: Invitae Variant Classification Sherloc (09022015). Collection method: clinical testing. Allele origin: germline.
Comment: This sequence change falls in intron 26 of the KMT2D gene. It does not directly change the encoded amino acid sequence of the KMT2D protein. It affects a nucleotide within the consensus splice site. This variant is not present in population databases (gnomAD no frequency). This variant has not been reported in the literature in individuals affected with KMT2D-related conditions. This variant has been observed in at least one individual who was not affected with KMT2D-related conditions (internal data). ClinVar contains an entry for this variant (Variation ID: 3678819). Variants that disrupt the consensus splice site are a relatively common cause of aberrant splicing (PMID: 17576681, 9536098). Algorithms developed to predict the effect of sequence changes on RNA splicing suggest that this variant may create or strengthen a splice site. In summary, the available evidence is currently insufficient to determine the role of this variant in disease. Therefore, it has been classified as a Variant of Uncertain Significance.

PreventionGenetics, part of Exact Sciences
Classification: Uncertain significance for KMT2D-related condition. Last evaluated: 2024-11-16. Review status: criteria provided, single submitter. Criteria: ACMG Guidelines, 2015. Collection method: clinical testing. Allele origin: germline.
Comment: The KMT2D c.5782+4A>G variant is predicted to interfere with splicing. To our knowledge, this variant has not been reported in the literature or in a large population database (gnomAD), indicating this variant is rare. At this time, the clinical significance of this variant is uncertain due to the absence of conclusive functional and genetic evidence.

Literature cited by the submitters: PubMed 17576681 (cited by Labcorp Genetics (formerly Invitae), Labcorp); PubMed 9536098 (cited by Labcorp Genetics (formerly Invitae), Labcorp).

NM_003482.4(KMT2D):c.5782+4A>G

Gene: KMT2D (lysine methyltransferase 2D; minus strand). Cytogenetic location: 12q13.12.
Variant type: single nucleotide variant.
Coding change: c.5782+4A>G on transcript NM_003482.4 (MANE Select); 4 bases into the intron after coding-DNA position 5782, A replaced by G.
Molecular consequence: intron variant.
Genome position (GRCh38, 1-based): chr12:49,042,737, T>C on the plus strand (A>G on the coding strand, the complement: KMT2D is on the minus strand). VCF-style: chr12-49042737-T-C. GRCh37 (hg19) VCF-style: chr12-49436520-T-C.
Other names: c.5782+4A>G (NM_003482.3).
Identifiers: ClinVar variation 3678819 (VCV003678819.3).